The following is an entry in ClinVar:

NM_032217.5(ANKRD17):c.4094A>G (p.His1365Arg)

Gene: ANKRD17 (ankyrin repeat domain 17; minus strand). Cytogenetic location: 4q13.3.
Variant type: single nucleotide variant.
Coding change: c.4094A>G on transcript NM_032217.5 (MANE Select); coding-DNA position 4094, A replaced by G.
Protein change: p.His1365Arg; replaces histidine 1365 with arginine.
Molecular consequence: missense variant.
Genome position (GRCh38, 1-based): chr4:73,118,782, T>C on the plus strand (A>G on the coding strand, the complement: ANKRD17 is on the minus strand). VCF-style: chr4-73118782-T-C. GRCh37 (hg19) VCF-style: chr4-73984499-T-C.
Other names: c.3755A>G, p.His1252Arg (NM_001286771.3); c.4091A>G, p.His1364Arg (NM_015574.2); c.3341A>G, p.His1114Arg (NM_198889.3); short protein forms H1114R, H1252R, H1364R, H1365R.
Identifiers: ClinVar variation 3236068 (VCV003236068.1), dbSNP rs2530587897, ClinGen allele CA357212111.

ClinVar aggregate classification (germline): Uncertain significance (1 of 4 stars; one submission).

Conditions:
Chopra-Amiel-Gordon syndrome (CAGS). Also called: ANKRD17-Related Neurodevelopmental Syndrome. Identifiers: MedGen C5561975, MONDO:0859186, OMIM 619504.

Submission:

MVZ Medizinische Genetik Mainz
Classification: Uncertain significance for Chopra-Amiel-Gordon syndrome. Last evaluated: 2024-03-12. Review status: criteria provided, single submitter. Criteria: UK Practice Guidelines For Variant Classification V4 01 2020. Collection method: clinical testing. Allele origin: germline. Inheritance: Autosomal dominant inheritance. Affected: yes. Observed: 1 variant allele.
Comment: ACMG Criteria: PM1,PM2_SUP,PP2,PP3